The following is an entry in ClinVar:

NM_001130144.3(LTBP3):c.2342G>A (p.Arg781His)

Genes: LTBP3 (latent transforming growth factor beta binding protein 3; minus strand), LOC130006029 (ATAC-STARR-seq lymphoblastoid silent region 3532; plus strand). Cytogenetic location: 11q13.1.
Variant type: single nucleotide variant.
Coding change: c.2342G>A on transcript NM_001130144.3 (MANE Select); coding-DNA position 2342, G replaced by A.
Protein change: p.Arg781His; replaces arginine 781 with histidine.
Molecular consequence: missense variant.
Genome position (GRCh38, 1-based): chr11:65,546,453, C>T on the plus strand (G>A on the coding strand, the complement: LTBP3 is on the minus strand). VCF-style: chr11-65546453-C-T. GRCh37 (hg19) VCF-style: chr11-65313924-C-T.
Other names: c.1991G>A, p.Arg664His (NM_001164266.1); c.2342G>A, p.Arg781His (NM_021070.4); short protein forms R781H, R664H.
Identifiers: ClinVar variation 2994540 (VCV002994540.3), dbSNP rs1234185043, ClinGen allele CA381269597.
Genomic context (GRCh38, chr11:65,546,453, plus strand): 5'-CAGCGCGTAGGGGGCGGCGGAGGCCCGGGGCGGGGGTGCTGGCGCTCACCCAAGCAACTG[C>T]GGCCGTCGGGCGCGGGCGCGTAGCCCTGGGCACAGGTGCAGCGGAAGGAGCCCGGGAGGT-3'
Protein context (NP_001123616.1, residues 771-791): AQGYAPAPDG[Arg781His]SCLDVDECEA

ClinVar aggregate classification (germline): Uncertain significance (1 of 4 stars; one submission).

Conditions:
Brachyolmia-amelogenesis imperfecta syndrome. Also called: Tooth agenesis, selective, 6; Dental anomalies and short stature; PLATYSPONDYLY WITH AMELOGENESIS IMPERFECTA. Identifiers: Orphanet 2899, MedGen C1832594, MONDO:0011018, OMIM 601216. Disease mechanism: loss of function.

Allele frequency attached by ClinVar (database versions not stated): gnomAD 0.00001.
gnomAD v4.1: 10 of 1,565,884 alleles (0.00064%); highest among the groups gnomAD compares: Admixed American, 0.0018%; no homozygotes.

Submission:

Labcorp Genetics (formerly Invitae), Labcorp
Classification: Uncertain significance for Brachyolmia-amelogenesis imperfecta syndrome. Last evaluated: 2023-06-23. Review status: criteria provided, single submitter. Criteria: Invitae Variant Classification Sherloc (09022015). Collection method: clinical testing. Allele origin: germline.
Comment: This sequence change replaces arginine, which is basic and polar, with histidine, which is basic and polar, at codon 781 of the LTBP3 protein (p.Arg781His). This variant is not present in population databases (gnomAD no frequency). This variant has not been reported in the literature in individuals affected with LTBP3-related conditions. Algorithms developed to predict the effect of missense changes on protein structure and function output the following: SIFT: "Not Available"; PolyPhen-2: "Benign"; Align-GVGD: "Not Available". The histidine amino acid residue is found in multiple mammalian species, which suggests that this missense change does not adversely affect protein function. In summary, the available evidence is currently insufficient to determine the role of this variant in disease. Therefore, it has been classified as a Variant of Uncertain Significance.